The following is an entry in ClinVar:

NM_015910.7(WDPCP):c.333G>A (p.Met111Ile)

Gene: WDPCP (WD repeat containing planar cell polarity effector; minus strand). Cytogenetic location: 2p15.
Variant type: single nucleotide variant.
Coding change: c.333G>A on transcript NM_015910.7 (MANE Select); coding-DNA position 333, G replaced by A.
Protein change: p.Met111Ile; replaces methionine 111 with isoleucine.
Molecular consequence: missense variant. On other transcripts: non-coding transcript variant (2).
Genome position (GRCh38, 1-based): chr2:63,484,655, C>T on the plus strand (G>A on the coding strand, the complement: WDPCP is on the minus strand). VCF-style: chr2-63484655-C-T. GRCh37 (hg19) VCF-style: chr2-63711789-C-T.
Other names: c.261G>A, p.Met87Ile (NM_001354044.2); c.333G>A, p.Met111Ile (NM_001354045.2); short protein forms M87I, M111I.
Identifiers: ClinVar variation 858079 (VCV000858079.11), dbSNP rs778069760, ClinGen allele CA1682505.

ClinVar aggregate classification (germline): Uncertain significance. Review status: criteria provided, multiple submitters, no conflicts (2 of 4 stars). 3 submissions from 3 submitters: Uncertain significance (2). 1 of the submissions does not count toward it. Last evaluated 2024-02-22.

Conditions:
WDPCP-related disorder. Also called: WDPCP-related condition.
Bardet-Biedl syndrome (BBS). Identifiers: Orphanet 110, MedGen C0752166, MONDO:0015229.
Bardet-Biedl syndrome 15 (BBS15). Identifiers: Orphanet 110, MedGen C3150127, MONDO:0014443, OMIM 615992.
Heart defect - tongue hamartoma - polysyndactyly syndrome. Also called: Congenital heart defects, hamartomas of tongue, and polysyndactyly. Identifiers: Orphanet 1338, MedGen C1857587, MONDO:0009008, OMIM 217085.

Allele frequency attached by ClinVar (database versions not stated): gnomAD exomes 0.00001 and 0.00003; TOPMed 0.00001; ExAC 0.00002; gnomAD 0.00002.

Submissions (3):

Fulgent Genetics
Classification: Uncertain significance for Heart defect - tongue hamartoma - polysyndactyly syndrome; Bardet-Biedl syndrome 15. Last evaluated: 2024-02-22. Review status: criteria provided, single submitter. Criteria: ACMG Guidelines, 2015. Collection method: clinical testing. Allele origin: germline.

Labcorp Genetics (formerly Invitae), Labcorp
Classification: Uncertain significance for Bardet-Biedl syndrome. Last evaluated: 2019-12-05. Review status: criteria provided, single submitter. Criteria: Invitae Variant Classification Sherloc (09022015). Collection method: clinical testing. Allele origin: germline.
Comment: In summary, the available evidence is currently insufficient to determine the role of this variant in disease. Therefore, it has been classified as a Variant of Uncertain Significance. Algorithms developed to predict the effect of missense changes on protein structure and function are either unavailable or do not agree on the potential impact of this missense change (SIFT: "Tolerated"; PolyPhen-2: "Possibly Damaging"; Align-GVGD: "Class C0"). This variant has not been reported in the literature in individuals with WDPCP-related conditions. This variant is present in population databases (rs778069760, ExAC 0.02%). This sequence change replaces methionine with isoleucine at codon 111 of the WDPCP protein (p.Met111Ile). The methionine residue is moderately conserved and there is a small physicochemical difference between methionine and isoleucine.

PreventionGenetics, part of Exact Sciences
Classification: Uncertain significance for WDPCP-related condition. Last evaluated: 2024-09-25. Review status: no assertion criteria provided. Collection method: clinical testing. Allele origin: germline. Not counted in ClinVar's aggregate classification.
Comment: The WDPCP c.333G>A variant is predicted to result in the amino acid substitution p.Met111Ile. To our knowledge, this variant has not been reported in the literature. This variant is reported in 0.046% of alleles in individuals of East Asian descent in gnomAD. At this time, the clinical significance of this variant is uncertain due to the absence of conclusive functional and genetic evidence.